The following is an entry in ClinVar:

ClinVar aggregate classification (germline): Uncertain significance (1 of 4 stars; one submission).

Conditions:
Cystic fibrosis (CF). Also called: MUCOVISCIDOSIS. Identifiers: Orphanet 586, MedGen C0010674, MONDO:0009061, OMIM 219700. Disease mechanism: loss of function.

Submission:

Ambry Genetics
Classification: Uncertain significance for Cystic fibrosis. Last evaluated: 2025-11-10. Review status: criteria provided, single submitter. Criteria: Ambry Variant Classification Scheme 2023. Collection method: clinical testing. Allele origin: germline.
Comment: The p.E743G variant (also known as c.2228A>G), located in coding exon 14 of the CFTR gene, results from an A to G substitution at nucleotide position 2228. The glutamic acid at codon 743 is replaced by glycine, an amino acid with similar properties. This amino acid position is conserved. In addition, the in silico prediction for this alteration is inconclusive. Based on the available evidence, the clinical significance of this variant remains unclear.

NM_000492.4(CFTR):c.2228A>G (p.Glu743Gly)

Gene: CFTR (CF transmembrane conductance regulator; plus strand). Cytogenetic location: 7q31.2.
Variant type: single nucleotide variant.
Coding change: c.2228A>G on transcript NM_000492.4 (MANE Select); coding-DNA position 2228, A replaced by G.
Protein change: p.Glu743Gly; replaces glutamic acid 743 with glycine.
Molecular consequence: missense variant.
Genome position (GRCh38, 1-based): chr7:117,592,395, A>G. VCF-style: chr7-117592395-A-G. GRCh37 (hg19) VCF-style: chr7-117232449-A-G.
Other names: short protein forms E743G.
Identifiers: ClinVar variation 4650064 (VCV004650064.1).